The following is an entry in ClinVar:

ClinVar aggregate classification (germline): Uncertain significance (1 of 4 stars; one submission).

Conditions:
EGFR-related lung cancer (EGFR). Identifiers: MedGen CN130014.

Allele frequency attached by ClinVar (database versions not stated): gnomAD exomes below 0.00001.
gnomAD v4.1: 3 of 1,613,692 alleles (0.00019%); highest among the groups gnomAD compares: African/African-American, 0.0027%; no homozygotes.

Submission:

Labcorp Genetics (formerly Invitae), Labcorp
Classification: Uncertain significance for EGFR-related lung cancer. Last evaluated: 2021-04-16. Review status: criteria provided, single submitter. Criteria: Invitae Variant Classification Sherloc (09022015). Collection method: clinical testing. Allele origin: germline.
Comment: In summary, the available evidence is currently insufficient to determine the role of this variant in disease. Therefore, it has been classified as a Variant of Uncertain Significance. Algorithms developed to predict the effect of missense changes on protein structure and function are either unavailable or do not agree on the potential impact of this missense change (SIFT: "Deleterious"; PolyPhen-2: "Probably Damaging"; Align-GVGD: "Class C0"). This variant has not been reported in the literature in individuals with EGFR-related conditions. This variant is not present in population databases (ExAC no frequency). This sequence change replaces leucine with phenylalanine at codon 760 of the EGFR protein (p.Leu760Phe). The leucine residue is highly conserved and there is a small physicochemical difference between leucine and phenylalanine.

NM_005228.5(EGFR):c.2278C>T (p.Leu760Phe)

Gene: EGFR (epidermal growth factor receptor; plus strand). Cytogenetic location: 7p11.2.
Variant type: single nucleotide variant.
Coding change: c.2278C>T on transcript NM_005228.5 (MANE Select); coding-DNA position 2278, C replaced by T.
Protein change: p.Leu760Phe; replaces leucine 760 with phenylalanine.
Molecular consequence: missense variant.
Genome position (GRCh38, 1-based): chr7:55,174,815, C>T. VCF-style: chr7-55174815-C-T. GRCh37 (hg19) VCF-style: chr7-55242508-C-T.
Other names: c.2143C>T, p.Leu715Phe (NM_001346897.2, NM_001346899.2); c.2278C>T, p.Leu760Phe (NM_001346898.2); c.2119C>T, p.Leu707Phe (NM_001346900.2); c.1477C>T, p.Leu493Phe (NM_001346941.2); short protein forms L493F, L707F, L715F, L760F.
Identifiers: ClinVar variation 1055293 (VCV001055293.9), dbSNP rs2128954901, ClinGen allele CA367584235.